The following is an entry in ClinVar:

NM_024642.5(GALNT12):c.178C>A (p.Arg60=)

Gene: GALNT12 (polypeptide N-acetylgalactosaminyltransferase 12; plus strand). Cytogenetic location: 9q22.33.
Variant type: single nucleotide variant.
Coding change: c.178C>A on transcript NM_024642.5 (MANE Select); coding-DNA position 178, C replaced by A.
Protein change: p.Arg60=; no amino-acid change (arginine 60 retained).
Molecular consequence: synonymous variant.
Genome position (GRCh38, 1-based): chr9:98,807,876, C>A. VCF-style: chr9-98807876-C-A. GRCh37 (hg19) VCF-style: chr9-101570158-C-A.
Identifiers: ClinVar variation 1583406 (VCV001583406.9), dbSNP rs992673909, ClinGen allele CA466647421.

ClinVar aggregate classification (germline): Benign/Likely benign. Review status: criteria provided, multiple submitters, no conflicts (2 of 4 stars). 2 submissions from 2 submitters: Benign (1); Likely benign (1). Last evaluated 2026-04-22.

Conditions:
Colorectal cancer, susceptibility to, 1. Also called: COLORECTAL ADENOMA AND CANCER, SUSCEPTIBILITY TO; COLORECTAL CANCER, SUSCEPTIBILITY TO, ON CHROMOSOME 9. Identifiers: MedGen C1837315, MONDO:0012132, OMIM 608812.

Submissions (2):

Myriad Genetics, Inc.
Classification: Benign for Colorectal cancer, susceptibility to, 1. Last evaluated: 2026-04-22. Review status: criteria provided, single submitter. Criteria: Myriad Autosomal Dominant, Autosomal Recessive and X-Linked Classification Criteria (2023). Collection method: clinical testing. Allele origin: unknown.
Comment: This variant is considered benign. This variant is a silent/synonymous amino acid change and it is not expected to impact splicing.

Labcorp Genetics (formerly Invitae), Labcorp
Classification: Likely benign. Last evaluated: 2021-09-26. Review status: criteria provided, single submitter. Criteria: Invitae Variant Classification Sherloc (09022015). Collection method: clinical testing. Allele origin: germline.